The following is an entry in ClinVar:

ClinVar aggregate classification (germline): Benign. Review status: criteria provided, multiple submitters, no conflicts (2 of 4 stars). 10 submissions from 7 submitters: Benign (7). 3 of the submissions do not count toward it. Last evaluated 2026-02-04.

Conditions:
Seizures, benign familial infantile, 5 (BFIS5). Also called: CONVULSIONS, BENIGN FAMILIAL INFANTILE, 5. Identifiers: Orphanet 306, MedGen C4310728, MONDO:0014903, OMIM 617080.
Cognitive impairment with or without cerebellar ataxia (CIAT). Identifiers: MedGen C3280415, MONDO:0013680, OMIM 614306.
Early-infantile DEE. Also called: Early infantile epileptic encephalopathy; Ohtahara syndrome; Early infantile epileptic encephalopathy with suppression bursts. Identifiers: Orphanet 1934, MedGen C0393706, MONDO:0800491.
Myoclonus, familial, 2. Identifiers: MedGen C5193056, MONDO:0100092, OMIM 618364.
Developmental and epileptic encephalopathy, 13 (DEE13). Also called: Early infantile epileptic encephalopathy 13; SCN8A-Related Epilepsy; Developmental and Epileptic Encephalopathy (SCN8A-DEE). Identifiers: Orphanet 442835, MedGen C3281191, MONDO:0013801, OMIM 614558.

Submissions (10):

Labcorp Genetics (formerly Invitae), Labcorp
Classification: Benign for Early-infantile DEE. Last evaluated: 2026-02-04. Review status: criteria provided, single submitter. Criteria: Invitae Variant Classification Sherloc (09022015). Collection method: clinical testing. Allele origin: germline.

Unidad de Genómica Garrahan, Hospital de Pediatría Garrahan
Classification: Benign. Last evaluated: 2024-07-15. Review status: criteria provided, single submitter. Criteria: ACMG Guidelines, 2015. Collection method: clinical testing. Allele origin: germline. Affected: no. Observed: 91 variant alleles.
Comment: This variant is classified as Benign based on local population frequency. This variant was detected in 98% of patients studied in a panel designed for Epileptic and Developmental Encephalopathy and Progressive Myoclonus Epilepsy. Number of patients: 91. Only high quality variants are reported.

Genome-Nilou Lab
Classification: Benign for Myoclonus, familial, 2. Last evaluated: 2021-07-15. Review status: criteria provided, single submitter. Criteria: ACMG Guidelines, 2015. Collection method: clinical testing. Allele origin: germline. Affected: no.

Genome-Nilou Lab
Classification: Benign for Cognitive impairment with or without cerebellar ataxia. Last evaluated: 2021-07-15. Review status: criteria provided, single submitter. Criteria: ACMG Guidelines, 2015. Collection method: clinical testing. Allele origin: germline. Affected: no.

Genome-Nilou Lab
Classification: Benign for Developmental and epileptic encephalopathy, 13. Last evaluated: 2021-07-15. Review status: criteria provided, single submitter. Criteria: ACMG Guidelines, 2015. Collection method: clinical testing. Allele origin: germline. Affected: no.

Genome-Nilou Lab
Classification: Benign for Seizures, benign familial infantile, 5. Last evaluated: 2021-07-15. Review status: criteria provided, single submitter. Criteria: ACMG Guidelines, 2015. Collection method: clinical testing. Allele origin: germline. Affected: no.

GeneDx
Classification: Benign. Last evaluated: 2019-11-14. Review status: criteria provided, single submitter. Criteria: GeneDx Variant Classification Process June 2021. Collection method: clinical testing. Allele origin: germline. Affected: yes.

Clinical Genetics DNA and cytogenetics Diagnostics Lab, Erasmus MC, Erasmus Medical Center
Classification: Benign. Review status: no assertion criteria provided. Collection method: clinical testing. Allele origin: germline. Affected: yes. Study: VKGL Data-share Consensus. Not counted in ClinVar's aggregate classification.

Diagnostic Laboratory, Department of Genetics, University Medical Center Groningen
Classification: Benign. Review status: no assertion criteria provided. Collection method: clinical testing. Allele origin: germline. Affected: yes. Study: VKGL Data-share Consensus. Not counted in ClinVar's aggregate classification.

Genome Diagnostics Laboratory, University Medical Center Utrecht
Classification: Benign. Review status: no assertion criteria provided. Collection method: clinical testing. Allele origin: germline. Affected: yes. Study: VKGL Data-share Consensus. Not counted in ClinVar's aggregate classification.

NM_001330260.2(SCN8A):c.2545-7dup

Gene: SCN8A (sodium voltage-gated channel alpha subunit 8; plus strand). Cytogenetic location: 12q13.13.
Variant type: Duplication.
Coding change: c.2545-7dup on transcript NM_001330260.2 (MANE Select); 7 bases into the intron before coding-DNA position 2545, one base duplicated (T; older notation c.2545-7dupT).
Molecular consequence: intron variant.
Genome position (GRCh38, 1-based): chr12:51,765,664, T duplicated; the last of 10 consecutive T bases (chr12:51,765,655-51,765,664); duplicating any one gives the same sequence. VCF-style (leftmost placement, unchanged base first): chr12-51765654-G-GT. GRCh37 (hg19) VCF-style: chr12-52159438-G-GT.
Other names: c.2545-7dup (NM_014191.4, NM_001177984.3, NM_001369788.1).
Identifiers: ClinVar variation 1169384 (VCV001169384.19), dbSNP rs56879517, ClinGen allele CA6571492.